The following is an entry in ClinVar:

NM_001111.5(ADAR):c.686C>G (p.Pro229Arg)

Gene: ADAR (adenosine deaminase RNA specific; minus strand). Cytogenetic location: 1q21.3.
Variant type: single nucleotide variant.
Coding change: c.686C>G on transcript NM_001111.5 (MANE Select); coding-DNA position 686, C replaced by G.
Protein change: p.Pro229Arg; replaces proline 229 with arginine.
Molecular consequence: missense variant. On other transcripts: 5 prime UTR variant (6).
Genome position (GRCh38, 1-based): chr1:154,601,956, G>C on the plus strand (C>G on the coding strand, the complement: ADAR is on the minus strand). VCF-style: chr1-154601956-G-C. GRCh37 (hg19) VCF-style: chr1-154574432-G-C.
Other names: c.-200C>G (NM_001025107.3, NM_001193495.2, NM_001365046.1 and 3 more transcripts); c.713C>G, p.Pro238Arg (NM_001365045.1); c.686C>G, p.Pro229Arg (NM_015840.4, NM_015841.4); short protein forms P238R, P229R.
Identifiers: ClinVar variation 2938985 (VCV002938985.3), dbSNP rs1338472867, ClinGen allele CA342600446.
Genomic context (GRCh38, chr1:154,601,956, plus strand): 5'-GAGACTGCAATAAAAGGCTCAAGAAGATCTTCTGAGACAGATGTGGAGTTTCTGTCTTCC[G>C]GTTCCAAACTCGGGTCTGAGTTTGGGGCTCCTTGGCTATGACCGTCTGGTCTTACCACTC-3'
Protein context (NP_001102.3, residues 219-239): GAPNSDPSLE[Pro229Arg]EDRNSTSVSE

ClinVar aggregate classification (germline): Uncertain significance (1 of 4 stars; one submission).

Conditions:
Symmetrical dyschromatosis of extremities (DSH). Also called: RETICULATE ACROPIGMENTATION OF DOHI; SYMMETRIC DYSCHROMATOSIS OF THE EXTREMITIES; DYSCHROMATOSIS SYMMETRICA HEREDITARIA 1; Dyschromatosis symmetrica hereditaria. Identifiers: Orphanet 41, MedGen C0406775, MONDO:0007483, OMIM 127400.
Aicardi-Goutieres syndrome 6 (AGS6). Identifiers: Orphanet 51, MedGen C3539013, MONDO:0014007, OMIM 615010.

gnomAD v4.1: 1 of 1,614,082 alleles (0.000062%); highest among the groups gnomAD compares: African/African-American, 0.0013%; no homozygotes.

Submission:

Labcorp Genetics (formerly Invitae), Labcorp
Classification: Uncertain significance for Aicardi-Goutieres syndrome 6; Symmetrical dyschromatosis of extremities. Last evaluated: 2024-12-22. Review status: criteria provided, single submitter. Criteria: Invitae Variant Classification Sherloc (09022015). Collection method: clinical testing. Allele origin: germline.
Comment: This sequence change replaces proline, which is neutral and non-polar, with arginine, which is basic and polar, at codon 229 of the ADAR protein (p.Pro229Arg). This variant is not present in population databases (gnomAD no frequency). This variant has not been reported in the literature in individuals affected with ADAR-related conditions. ClinVar contains an entry for this variant (Variation ID: 2938985). Experimental studies and prediction algorithms are not available or were not evaluated, and the functional significance of this variant is currently unknown. In summary, the available evidence is currently insufficient to determine the role of this variant in disease. Therefore, it has been classified as a Variant of Uncertain Significance.